The following is an entry in ClinVar:

NM_183235.3(RAB27A):c.239+3A>G

Gene: RAB27A (RAB27A, member RAS oncogene family; minus strand). Cytogenetic location: 15q21.3.
Variant type: single nucleotide variant.
Coding change: c.239+3A>G on transcript NM_183235.3 (MANE Select); 3 bases into the intron after coding-DNA position 239, A replaced by G.
Molecular consequence: intron variant.
Genome position (GRCh38, 1-based): chr15:55,230,398, T>C on the plus strand (A>G on the coding strand, the complement: RAB27A is on the minus strand). VCF-style: chr15-55230398-T-C. GRCh37 (hg19) VCF-style: chr15-55522596-T-C.
Other names: RAB27A, INV3DS, A-G, +3; c.239+3A>G (NM_001438970.1, NM_001438977.1, NM_001438975.1 and 11 more transcripts).
Identifiers: ClinVar variation 5983 (VCV000005983.7), dbSNP rs1595695268, ClinGen allele CA913184791.

ClinVar aggregate classification (germline): Likely pathogenic. Review status: criteria provided, single submitter (1 of 4 stars). 2 submissions from 2 submitters: Likely pathogenic (1). 1 of the submissions does not count toward it. Last evaluated 2022-08-31.

Conditions:
Griscelli syndrome type 2 (GS2). Also called: GRISCELLI SYNDROME WITH HEMOPHAGOCYTIC SYNDROME; PAID SYNDROME; PARTIAL ALBINISM AND IMMUNODEFICIENCY SYNDROME. Identifiers: Orphanet 381, Orphanet 79477, MedGen C1868679, MONDO:0011872, OMIM 607624.

Submissions (2):

Labcorp Genetics (formerly Invitae), Labcorp
Classification: Likely pathogenic for Griscelli syndrome type 2. Last evaluated: 2022-08-31. Review status: criteria provided, single submitter. Criteria: Invitae Variant Classification Sherloc (09022015). Collection method: clinical testing. Allele origin: germline.
Comment: In summary, the currently available evidence indicates that the variant is pathogenic, but additional data are needed to prove that conclusively. Therefore, this variant has been classified as Likely Pathogenic. Variants that disrupt the consensus splice site are a relatively common cause of aberrant splicing (PMID: 17576681, 9536098). Studies have shown that this variant is associated with altered splicing resulting in skipping of exon 3 (PMID: 10835631). ClinVar contains an entry for this variant (Variation ID: 5983). This variant has been observed in individuals with Griscelli syndrome (PMID: 10835631, 32638196). This variant is not present in population databases (gnomAD no frequency). This sequence change falls in intron 3 of the RAB27A gene. It does not directly change the encoded amino acid sequence of the RAB27A protein. It affects a nucleotide within the consensus splice site.

OMIM
Classification: Pathogenic for GRISCELLI SYNDROME, TYPE 2. Last evaluated: 2000-06-01. Review status: no assertion criteria provided. Collection method: literature only. Allele origin: germline. Not counted in ClinVar's aggregate classification.

Literature cited by the submitters: PubMed 17576681 (cited by Labcorp Genetics (formerly Invitae), Labcorp); PubMed 9536098 (cited by Labcorp Genetics (formerly Invitae), Labcorp); PubMed 10835631 (cited by Labcorp Genetics (formerly Invitae), Labcorp and OMIM); PubMed 32638196 (cited by Labcorp Genetics (formerly Invitae), Labcorp).